The following is an entry in ClinVar:

ClinVar aggregate classification (germline): Uncertain significance (1 of 4 stars; one submission).

Conditions:
Duchenne muscular dystrophy (DMD). Also called: MUSCULAR DYSTROPHY, PSEUDOHYPERTROPHIC PROGRESSIVE, DUCHENNE TYPE; Duchenne Muscular Dystrophy (DMD). Identifiers: Orphanet 98896, MedGen C0013264, MONDO:0010679, OMIM 310200.

Submission:

Labcorp Genetics (formerly Invitae), Labcorp
Classification: Uncertain significance for Duchenne muscular dystrophy. Last evaluated: 2023-04-13. Review status: criteria provided, single submitter. Criteria: Invitae Variant Classification Sherloc (09022015). Collection method: clinical testing. Allele origin: germline.
Comment: This variant has not been reported in the literature in individuals affected with DMD-related conditions. In summary, the available evidence is currently insufficient to determine the role of this variant in disease. Therefore, it has been classified as a Variant of Uncertain Significance. Algorithms developed to predict the effect of sequence changes on RNA splicing suggest that this variant may disrupt the consensus splice site. ClinVar contains an entry for this variant (Variation ID: 1353307). This variant is not present in population databases (gnomAD no frequency). This sequence change falls in intron 71 of the DMD gene. It does not directly change the encoded amino acid sequence of the DMD protein.

NM_004006.3(DMD):c.10263-6T>G

Gene: DMD (dystrophin; minus strand). Cytogenetic location: Xp21.2.
Variant type: single nucleotide variant.
Coding change: c.10263-6T>G on transcript NM_004006.3 (MANE Select); 6 bases into the intron before coding-DNA position 10263, T replaced by G.
Molecular consequence: intron variant.
Genome position (GRCh38, 1-based): chrX:31,173,610, A>C on the plus strand (T>G on the coding strand, the complement: DMD is on the minus strand). VCF-style: chrX-31173610-A-C. GRCh37 (hg19) VCF-style: chrX-31191727-A-C.
Other names: c.10239-6T>G (NM_000109.4); c.6240-6T>G (NM_004011.4); c.6231-6T>G (NM_004012.4); c.2843+5059T>G (NM_004023.3, NM_004020.4); c.2844-6T>G (NM_004022.3); c.2883-6T>G (NM_004021.3, NM_004013.3); c.2076-6T>G (NM_004014.3); c.1020-6T>G (NM_004018.3, NM_004017.3); and 3 more.
Identifiers: ClinVar variation 1353307 (VCV001353307.8), dbSNP rs2148227688, ClinGen allele CA2573158721.
Genomic context (GRCh38, chrX:31,173,610, plus strand): 5'-ATGTTCAATGCGTGAATGAGTATCATCGTGTGAAAGCTGAGGGGACGAGGCAGGCCTATA[A>C]GGCAGAAAATGTGATTAGTCACAGATACCATCCATTAATGGAGAAAAAACCCACCACACA-3'